The following is an entry in ClinVar:

NM_001039591.3(USP9X):c.1813C>G (p.Gln605Glu)

Gene: USP9X (ubiquitin specific peptidase 9 X-linked; plus strand). Cytogenetic location: Xp11.4.
Variant type: single nucleotide variant.
Coding change: c.1813C>G on transcript NM_001039591.3 (MANE Select); coding-DNA position 1813, C replaced by G.
Protein change: p.Gln605Glu; replaces glutamine 605 with glutamic acid.
Molecular consequence: missense variant.
Genome position (GRCh38, 1-based): chrX:41,152,997, C>G. VCF-style: chrX-41152997-C-G. GRCh37 (hg19) VCF-style: chrX-41012250-C-G.
Other names: c.1813C>G, p.Gln605Glu (NM_001039590.3); c.1828C>G, p.Gln610Glu (NM_001410748.1, NM_001410749.1); short protein forms Q605E, Q610E.
Identifiers: ClinVar variation 3252189 (VCV003252189.2), dbSNP rs750623836.
Genomic context (GRCh38, chrX:41,152,997, plus strand): 5'-TCTCGTTTCAGTCAAACTCAGCGAAGTCCCCATGTGTTTTATCGCCATGACTTAATCAAT[C>G]AACTTCAACACAATCATGCCCTAGTTACTTTGGTAGCAGAAAACCTTGCAACTTACATGG-3'
Protein context (NP_001034680.2, residues 595-615): HVFYRHDLIN[Gln605Glu]LQHNHALVTL

ClinVar aggregate classification (germline): Uncertain significance (1 of 4 stars; one submission).

Allele frequency attached by ClinVar (database versions not stated): ExAC 0.00001.

Submission:

GeneDx
Classification: Uncertain significance. Last evaluated: 2025-09-03. Review status: criteria provided, single submitter. Criteria: GeneDx Variant Classification Process June 2021. Collection method: clinical testing. Allele origin: germline.
Comment: In silico analysis suggests that this missense variant does not alter protein structure/function; Has not been previously published as pathogenic or benign to our knowledge